The following is an entry in ClinVar:

NM_001031689.3(PLAA):c.654A>C (p.Gln218His)

Gene: PLAA (phospholipase A2 activating protein; minus strand). Cytogenetic location: 9p21.2.
Variant type: single nucleotide variant.
Coding change: c.654A>C on transcript NM_001031689.3 (MANE Select); coding-DNA position 654, A replaced by C.
Protein change: p.Gln218His; replaces glutamine 218 with histidine.
Molecular consequence: missense variant.
Genome position (GRCh38, 1-based): chr9:26,926,472, T>G on the plus strand (A>C on the coding strand, the complement: PLAA is on the minus strand). VCF-style: chr9-26926472-T-G. GRCh37 (hg19) VCF-style: chr9-26926470-T-G.
Other names: c.654A>C, p.Gln218His (NM_001321546.2); short protein forms Q218H.
Identifiers: ClinVar variation 1428743 (VCV001428743.8), dbSNP rs752732809, ClinGen allele CA373133604.

ClinVar aggregate classification (germline): Uncertain significance (1 of 4 stars; one submission).

Submission:

Labcorp Genetics (formerly Invitae), Labcorp
Classification: Uncertain significance. Last evaluated: 2023-06-13. Review status: criteria provided, single submitter. Criteria: Invitae Variant Classification Sherloc (09022015). Collection method: clinical testing. Allele origin: germline.
Comment: This variant is not present in population databases (gnomAD no frequency). This sequence change replaces glutamine, which is neutral and polar, with histidine, which is basic and polar, at codon 218 of the PLAA protein (p.Gln218His). This variant has not been reported in the literature in individuals affected with PLAA-related conditions. In summary, the available evidence is currently insufficient to determine the role of this variant in disease. Therefore, it has been classified as a Variant of Uncertain Significance. Advanced modeling of protein sequence and biophysical properties (such as structural, functional, and spatial information, amino acid conservation, physicochemical variation, residue mobility, and thermodynamic stability) performed at Invitae indicates that this missense variant is not expected to disrupt PLAA protein function. ClinVar contains an entry for this variant (Variation ID: 1428743).